The following is an entry in ClinVar:

NM_005732.4(RAD50):c.129+1G>C

Gene: RAD50 (RAD50 double strand break repair protein; plus strand). Cytogenetic location: 5q31.1.
Variant type: single nucleotide variant.
Coding change: c.129+1G>C on transcript NM_005732.4 (MANE Select); the canonical splice donor site of the intron after coding-DNA position 129, G replaced by C.
Molecular consequence: splice donor variant.
Genome position (GRCh38, 1-based): chr5:132,557,454, G>C. VCF-style: chr5-132557454-G-C. GRCh37 (hg19) VCF-style: chr5-131893146-G-C.
Identifiers: ClinVar variation 2995158 (VCV002995158.3), dbSNP rs1339714611, ClinGen allele CA360952028.

ClinVar aggregate classification (germline): Likely pathogenic (1 of 4 stars; one submission).

Conditions:
Hereditary cancer-predisposing syndrome. Also called: Hereditary Cancer Syndrome; Hereditary neoplastic syndrome; Neoplastic Syndromes, Hereditary; Tumor predisposition. Identifiers: Orphanet 140162, MedGen C0027672, MeSH D009386, MONDO:0015356.

Allele frequency attached by ClinVar (database versions not stated): gnomAD exomes below 0.00001.

Submission:

Labcorp Genetics (formerly Invitae), Labcorp
Classification: Likely pathogenic for Hereditary cancer-predisposing syndrome. Last evaluated: 2023-07-29. Review status: criteria provided, single submitter. Criteria: Invitae Variant Classification Sherloc (09022015). Collection method: clinical testing. Allele origin: germline.
Comment: In summary, the currently available evidence indicates that the variant is pathogenic, but additional data are needed to prove that conclusively. Therefore, this variant has been classified as Likely Pathogenic. Algorithms developed to predict the effect of sequence changes on RNA splicing suggest that this variant may disrupt the consensus splice site. This variant has not been reported in the literature in individuals affected with RAD50-related conditions. This variant is not present in population databases (gnomAD no frequency). This sequence change affects a donor splice site in intron 1 of the RAD50 gene. It is expected to disrupt RNA splicing. Variants that disrupt the donor or acceptor splice site typically lead to a loss of protein function (PMID: 16199547), and loss-of-function variants in RAD50 are known to be pathogenic (PMID: 19409520).

Literature cited by the submitters: PubMed 16199547; PubMed 19409520.